The following is an entry in ClinVar:

ClinVar aggregate classification (germline): Uncertain significance (1 of 4 stars; one submission).

Allele frequency attached by ClinVar (database versions not stated): TOPMed below 0.00001.
gnomAD v4.1: 6 of 1,614,032 alleles (0.00037%); highest among the groups gnomAD compares: Non-Finnish European, 0.00051%; no homozygotes.

Submission:

Ambry Genetics
Classification: Uncertain significance. Last evaluated: 2023-10-21. Review status: criteria provided, single submitter. Criteria: Ambry Variant Classification Scheme 2023. Collection method: clinical testing. Allele origin: germline.
Comment: The p.H558N variant (also known as c.1672C>A), located in coding exon 9 of the PALLD gene, results from a C to A substitution at nucleotide position 1672. The histidine at codon 558 is replaced by asparagine, an amino acid with similar properties. This amino acid position is conserved. In addition, this alteration is predicted to be tolerated by in silico analysis. Since supporting evidence is limited at this time, the clinical significance of this alteration remains unclear.

NM_001166108.2(PALLD):c.1672C>A (p.His558Asn)

Gene: PALLD (palladin, cytoskeletal associated protein; plus strand). Cytogenetic location: 4q32.3.
Variant type: single nucleotide variant.
Coding change: c.1672C>A on transcript NM_001166108.2 (MANE Select); coding-DNA position 1672, C replaced by A.
Protein change: p.His558Asn; replaces histidine 558 with asparagine.
Molecular consequence: missense variant.
Genome position (GRCh38, 1-based): chr4:168,711,631, C>A. VCF-style: chr4-168711631-C-A. GRCh37 (hg19) VCF-style: chr4-169632782-C-A.
Other names: c.526C>A, p.His176Asn (NM_001166109.2); c.1672C>A, p.His558Asn (NM_016081.4); short protein forms H176N, H558N.
Identifiers: ClinVar variation 1777719 (VCV001777719.2), dbSNP rs1784846323, ClinGen allele CA358797964.
Genomic context (GRCh38, chr4:168,711,631, plus strand): 5'-CCTTCCTTAGCCAACACTGAAAACTGTAGTTACGAGTCAATGGGAGAATCCAACAATGAC[C>A]ACTTCCAACACTTTCCACCTCCCCCTCCAATCTTGGAGACAAGTTCCTTGGAGTTGGCTT-3'
Protein context (NP_001159580.1, residues 548-568): YESMGESNND[His558Asn]FQHFPPPPPI